The following is an entry in ClinVar:

ClinVar aggregate classification (germline): Conflicting classifications of pathogenicity. Review status: criteria provided, conflicting classifications (1 of 4 stars). 3 submissions from 3 submitters: Uncertain significance (2); Likely benign (1). Last evaluated 2025-08-08.

Conditions:
Inborn genetic diseases. Identifiers: MedGen C0950123, MeSH D030342.
Adams-Oliver syndrome 1 (AOS1). Also called: CONGENITAL SCALP DEFECTS WITH DISTAL LIMB REDUCTION ANOMALIES; ABSENCE DEFECT OF LIMBS, SCALP, AND SKULL; APLASIA CUTIS CONGENITA WITH TERMINAL TRANSVERSE LIMB DEFECTS. Identifiers: Orphanet 974, MedGen C4551482, MONDO:0024506, OMIM 100300.

Allele frequency attached by ClinVar (database versions not stated): ExAC 0.00004; gnomAD 0.00005; gnomAD exomes 0.00006 and 0.00008; ESP Exome Variant Server 0.00008; TOPMed 0.00008; 1000 Genomes Project 30x 0.00016; 1000 Genomes Project 0.00020.

Submissions (3):

Ambry Genetics
Classification: Likely benign for Inborn genetic diseases. Last evaluated: 2025-08-08. Review status: criteria provided, single submitter. Criteria: Ambry Variant Classification Scheme 2023. Collection method: clinical testing. Allele origin: germline.

Labcorp Genetics (formerly Invitae), Labcorp
Classification: Uncertain significance. Last evaluated: 2024-09-05. Review status: criteria provided, single submitter. Criteria: Invitae Variant Classification Sherloc (09022015). Collection method: clinical testing. Allele origin: germline.
Comment: This sequence change replaces arginine, which is basic and polar, with tryptophan, which is neutral and slightly polar, at codon 230 of the ARHGAP31 protein (p.Arg230Trp). This variant is present in population databases (rs200204811, gnomAD 0.02%). This variant has not been reported in the literature in individuals affected with ARHGAP31-related conditions. ClinVar contains an entry for this variant (Variation ID: 1402061). An algorithm developed to predict the effect of missense changes on protein structure and function outputs the following: PolyPhen-2: "Benign". The tryptophan amino acid residue is found in multiple mammalian species, which suggests that this missense change does not adversely affect protein function. In summary, the available evidence is currently insufficient to determine the role of this variant in disease. Therefore, it has been classified as a Variant of Uncertain Significance.

Revvity Omics, Revvity
Classification: Uncertain significance for Adams-Oliver syndrome 1. Last evaluated: 2019-11-13. Review status: criteria provided, single submitter. Criteria: ACMG Guidelines, 2015. Collection method: clinical testing. Allele origin: germline.

NM_020754.4(ARHGAP31):c.688C>T (p.Arg230Trp)

Gene: ARHGAP31 (Rho GTPase activating protein 31; plus strand). Cytogenetic location: 3q13.33.
Variant type: single nucleotide variant.
Coding change: c.688C>T on transcript NM_020754.4 (MANE Select); coding-DNA position 688, C replaced by T.
Protein change: p.Arg230Trp; replaces arginine 230 with tryptophan.
Molecular consequence: missense variant.
Genome position (GRCh38, 1-based): chr3:119,390,790, C>T. VCF-style: chr3-119390790-C-T. GRCh37 (hg19) VCF-style: chr3-119109637-C-T.
Other names: c.688C>T (NM_020754.2); short protein forms R230W.
Identifiers: ClinVar variation 1402061 (VCV001402061.9), dbSNP rs200204811, ClinGen allele CA2553686.